The following is an entry in ClinVar:

NM_004104.5(FASN):c.3694G>A (p.Val1232Met)

Gene: FASN (fatty acid synthase; minus strand). Cytogenetic location: 17q25.3.
Variant type: single nucleotide variant.
Coding change: c.3694G>A on transcript NM_004104.5 (MANE Select); coding-DNA position 3694, G replaced by A.
Protein change: p.Val1232Met; replaces valine 1232 with methionine.
Molecular consequence: missense variant.
Genome position (GRCh38, 1-based): chr17:82,086,292, C>T on the plus strand (G>A on the coding strand, the complement: FASN is on the minus strand). VCF-style: chr17-82086292-C-T. GRCh37 (hg19) VCF-style: chr17-80044168-C-T.
Other names: short protein forms V1232M.
Identifiers: ClinVar variation 937561 (VCV000937561.7), dbSNP rs760065786, ClinGen allele CA8852305.

ClinVar aggregate classification (germline): Uncertain significance. Review status: criteria provided, multiple submitters, no conflicts (2 of 4 stars). 2 submissions from 2 submitters: Uncertain significance (2). Last evaluated 2024-09-01.

Conditions:
Epileptic encephalopathy. Identifiers: MedGen C0543888, HP:0200134.

Allele frequency attached by ClinVar (database versions not stated): gnomAD 0.00002; TOPMed 0.00002; gnomAD exomes 0.00003; ExAC 0.00006.
gnomAD v4.1: 47 of 1,591,592 alleles (0.003%); highest among the groups gnomAD compares: Middle Eastern, 0.017%; no homozygotes.

Submissions (2):

Labcorp Genetics (formerly Invitae), Labcorp
Classification: Uncertain significance for Epileptic encephalopathy. Last evaluated: 2024-09-01. Review status: criteria provided, single submitter. Criteria: Invitae Variant Classification Sherloc (09022015). Collection method: clinical testing. Allele origin: germline.
Comment: This sequence change replaces valine, which is neutral and non-polar, with methionine, which is neutral and non-polar, at codon 1232 of the FASN protein (p.Val1232Met). The frequency data for this variant in the population databases is considered unreliable, as metrics indicate poor data quality at this position in the gnomAD database. This variant has not been reported in the literature in individuals affected with FASN-related conditions. ClinVar contains an entry for this variant (Variation ID: 937561). An algorithm developed to predict the effect of missense changes on protein structure and function (PolyPhen-2) suggests that this variant is likely to be tolerated. In summary, the available evidence is currently insufficient to determine the role of this variant in disease. Therefore, it has been classified as a Variant of Uncertain Significance.

Ambry Genetics
Classification: Uncertain significance. Last evaluated: 2024-05-15. Review status: criteria provided, single submitter. Criteria: Ambry Variant Classification Scheme 2023. Collection method: clinical testing. Allele origin: germline.